The following is an entry in ClinVar:

ClinVar aggregate classification (germline): Uncertain significance (1 of 4 stars; one submission).

Allele frequency attached by ClinVar (database versions not stated): gnomAD exomes 0.00002; TOPMed 0.00002; ExAC 0.00003.
gnomAD v4.1: 9 of 1,591,584 alleles (0.00057%); highest among the groups gnomAD compares: Admixed American, 0.016%; no homozygotes.

Submission:

Labcorp Genetics (formerly Invitae), Labcorp
Classification: Uncertain significance. Last evaluated: 2023-09-11. Review status: criteria provided, single submitter. Criteria: Invitae Variant Classification Sherloc (09022015). Collection method: clinical testing. Allele origin: germline.
Comment: In summary, the available evidence is currently insufficient to determine the role of this variant in disease. Therefore, it has been classified as a Variant of Uncertain Significance. Advanced modeling of protein sequence and biophysical properties (such as structural, functional, and spatial information, amino acid conservation, physicochemical variation, residue mobility, and thermodynamic stability) performed at Invitae indicates that this missense variant is not expected to disrupt CARMIL2 protein function. This variant has not been reported in the literature in individuals affected with CARMIL2-related conditions. This variant is present in population databases (rs751963763, gnomAD 0.03%). This sequence change replaces serine, which is neutral and polar, with glycine, which is neutral and non-polar, at codon 781 of the CARMIL2 protein (p.Ser781Gly).

NM_001013838.3(CARMIL2):c.2341A>G (p.Ser781Gly)

Gene: CARMIL2 (capping protein regulator and myosin 1 linker 2; plus strand). Cytogenetic location: 16q22.1.
Variant type: single nucleotide variant.
Coding change: c.2341A>G on transcript NM_001013838.3 (MANE Select); coding-DNA position 2341, A replaced by G.
Protein change: p.Ser781Gly; replaces serine 781 with glycine.
Molecular consequence: missense variant.
Genome position (GRCh38, 1-based): chr16:67,651,428, A>G. VCF-style: chr16-67651428-A-G. GRCh37 (hg19) VCF-style: chr16-67685331-A-G.
Other names: c.2233A>G, p.Ser745Gly (NM_001317026.3); short protein forms S781G, S745G.
Identifiers: ClinVar variation 2722769 (VCV002722769.3), dbSNP rs751963763, ClinGen allele CA8113773.